The following is an entry in ClinVar:

ClinVar aggregate classification (germline): Pathogenic/Likely pathogenic. Review status: criteria provided, multiple submitters, no conflicts (2 of 4 stars). 14 submissions from 14 submitters: Pathogenic (8); Likely pathogenic (6). Last evaluated 2026-01-28.

Conditions:
ACAT1-related disorder. Also called: ACAT1-related condition.
Inborn genetic diseases. Identifiers: MedGen C0950123, MeSH D030342.
Deficiency of acetyl-CoA acetyltransferase. Also called: 3-KETOTHIOLASE DEFICIENCY; 3-OXOTHIOLASE DEFICIENCY; MITOCHONDRIAL ACETOACETYL-CoA THIOLASE DEFICIENCY; Beta-ketothiolase deficiency. Identifiers: Orphanet 134, MedGen C1536500, MONDO:0008760, OMIM 203750. Disease mechanism: loss of function.

Allele frequency attached by ClinVar (database versions not stated): gnomAD 0.00003 and 0.00004; gnomAD exomes 0.00006 and 0.00031; TOPMed 0.00020; ExAC 0.00027.
gnomAD v4.1: 93 of 1,613,970 alleles (0.0058%); highest among the groups gnomAD compares: Admixed American, 0.13%; no homozygotes.

Submissions 1 to 8 of 14:

Labcorp Genetics (formerly Invitae), Labcorp
Classification: Pathogenic for Deficiency of acetyl-CoA acetyltransferase. Last evaluated: 2026-01-28. Review status: criteria provided, single submitter. Criteria: Invitae Variant Classification Sherloc (09022015). Collection method: clinical testing. Allele origin: germline.
Comment: This sequence change replaces asparagine, which is neutral and polar, with serine, which is neutral and polar, at codon 158 of the ACAT1 protein (p.Asn158Ser). This variant is present in population databases (rs199524907, gnomAD 0.2%). This missense change has been observed in individual(s) with acetoacetyl-CoA-thiolase deficiency (PMID: 17236799, 21669895). In at least one individual the data is consistent with being in trans (on the opposite chromosome) from a pathogenic variant. It has also been observed to segregate with disease in related individuals. ClinVar contains an entry for this variant (Variation ID: 198030). Invitae Evidence Modeling of protein sequence and biophysical properties (such as structural, functional, and spatial information, amino acid conservation, physicochemical variation, residue mobility, and thermodynamic stability) has been performed for this missense variant. However, the output from this modeling did not meet the statistical confidence thresholds required to predict the impact of this variant on ACAT1 protein function. Experimental studies have shown that this missense change affects ACAT1 function (PMID: 17236799, 21669895). This variant disrupts the p.Asn158 amino acid residue in ACAT1. Other variant(s) that disrupt this residue have been determined to be pathogenic (PMID: 7749408, 17236799, 27748876). This suggests that this residue is clinically significant, and that variants that disrupt this residue are likely to be disease-causing. For these reasons, this variant has been classified as Pathogenic.

CeGaT Center for Human Genetics Tuebingen
Classification: Likely pathogenic. Last evaluated: 2025-12-01. Review status: criteria provided, single submitter. Criteria: CeGaT Center For Human Genetics Tuebingen Variant Classification Criteria Version 2. Collection method: clinical testing. Allele origin: germline. Affected: yes. Observed: 1 variant allele.
Comment: ACAT1: PM2, PM3, PM5, PS3:Supporting

Natera, Inc.
Classification: Likely pathogenic for Alpha-methylacetoacetic aciduria. Last evaluated: 2025-10-28. Review status: criteria provided, single submitter. Criteria: Natera Variant Classification Schema (03/2026). Collection method: clinical testing. Allele origin: germline.
Comment: The c.473A>G variant in ACAT1 is a missense variant predicted to cause substitution of asparagine to serine at amino acid 158. This variant is rare in the general population with a frequency below the threshold expected for the associated phenotype(s). This variant has been observed in one or more individuals affected with the associated recessive disease, as either homozygous or compound heterozygous with a second variant (PMID: 21669895, 39519275). Additionally, this variant has been observed to segregate in affected family members (PMID: 21669895). This variant has been identified in one or more affected individuals with a phenotype highly consistent with the associated gene (PMID: 21669895, 39519275). A different variant at the same position has been determined to be Pathogenic or Likely Pathogenic. Given the available evidence, this variant is classified as Likely Pathogenic.

PreventionGenetics, part of Exact Sciences
Classification: Pathogenic for ACAT1-related condition. Last evaluated: 2025-10-08. Review status: criteria provided, single submitter. Criteria: ACMG Guidelines, 2015. Collection method: clinical testing. Allele origin: germline.
Comment: The ACAT1 c.473A>G variant is predicted to result in the amino acid substitution p.Asn158Ser. This variant has been reported in the compound heterozygous state with a second disease-causing ACAT1 variant in three individuals (including one sibling pair) with acetoacetyl-CoA thiolase deficiency (Sakurai et al. 2007. PubMed ID: 17236799; Sarafoglou et al. 2011. PubMed ID: 21669895). In vitro studies have demonstrated that p.Asn158Ser leads to reduced thermal stability and a loss of enzymatic activity (Sakurai et al. 2007. PubMed ID: 17236799; Sarafoglou et al. 2011. PubMed ID: 21669895; Abdelkreem et al. 2019. PubMed ID: 31268215). Another missense substitution affected the same amino acid (p.Asn158Asp) has also been reported in individuals with ACAT1 deficiency and shown to be functionally deleterious (Fukao et al. 1995. PubMed ID: 7749408; Abdelkreem et al. 2019. PubMed ID: 31268215). This variant is reported in 0.22% of alleles in individuals of Latino descent in gnomAD. In summary, the p.Asn158Ser variant is interpreted as pathogenic.

Rady Children's Institute for Genomic Medicine, Rady Children's Hospital San Diego
Classification: Likely pathogenic for Beta-ketothiolase deficiency. Last evaluated: 2025-06-27. Review status: criteria provided, single submitter. Criteria: ACMG Guidelines, 2015. Collection method: clinical testing. Allele origin: germline. Affected: yes.
Comment: Missense variation is an established mechanism of disease for beta-ketothiolase deficiency (PMID: 31268215). The c.473A>G (p.Asn158Ser) variant affects a highly conserved amino acid; however, in silico tools used to predict the effect of this variant on protein function yield discordant results. This variant has been previously reported as a compound heterozygous or homozygous change in patients with beta-ketothiolase deficiency (PMID: 17236799, 21669895, 27748876, 39519275). A different amino acid change at the same residue (p.Asn158Asp) has also been reported in affected individuals (PMID: 7749408, 17236799). Functional studies indicate this variant leads to reduced catalytic activity and protein instability (PMID: 17236799). The c.473A>G (p.Asn158Ser) variant is present in the latest version of the gnomAD population database at an allele frequency of 0.006% (93/1613970), and is absent in the homozygous state, thus is presumed to be rare. Based on the available evidence, c.473A>G (p.Asn158Ser) is classified as Likely Pathogenic.

GeneDx
Classification: Pathogenic. Last evaluated: 2025-05-13. Review status: criteria provided, single submitter. Criteria: GeneDx Variant Classification Process June 2021. Collection method: clinical testing. Allele origin: germline. Affected: yes.
Comment: Published functional studies demonstrate a damaging effect: temperature sensitive instability, with faint to no detection of mutant protein at different temperatures as compared to wild-type protein (PMID: 17236799); In silico analysis supports that this missense variant has a deleterious effect on protein structure/function; This variant is associated with the following publications: (PMID: 31268215, 21669895, 17236799, 39519275)

3billion
Classification: Pathogenic for Deficiency of acetyl-CoA acetyltransferase. Last evaluated: 2025-03-21. Review status: criteria provided, single submitter. Criteria: ACMG Guidelines, 2015. Collection method: clinical testing. Allele origin: germline. Affected: yes.
Comment: The variant is observed at an extremely low frequency in the gnomAD v4.1.0 dataset (total allele frequency: 0.006%). Predicted Consequence/Location: Missense variant. The majority of the known disease-causing variants of this gene are variants expected to result in premature termination of the protein. The variant is in trans with NM_000019.4:c.481T>C. In silico tool predictions suggest damaging effect of the variant on gene or gene product [3Cnet: 0.93 (> 0.75, sensitivity 0.96 and precision 0.92)].The same nucleotide change resulting in the same amino acid change has been previously reported as pathogenic/likely pathogenic with strong evidence (ClinVar ID: VCV000198030 / PMID: 17236799 / 3billion dataset). A different missense change at the same codon (p.Asn158Asp) has been reported as pathogenic/likely pathogenic with strong evidence (ClinVar ID: VCV000092297 / PMID: 7749408). The variant is in trans with the other variant. Therefore, this variant is classified as Pathogenic according to the recommendation of ACMG/AMP guideline.

Fulgent Genetics
Classification: Pathogenic for Deficiency of acetyl-CoA acetyltransferase. Last evaluated: 2024-01-30. Review status: criteria provided, single submitter. Criteria: ACMG Guidelines, 2015. Collection method: clinical testing. Allele origin: germline.

NM_000019.4(ACAT1):c.473A>G (p.Asn158Ser)

Gene: ACAT1 (acetyl-CoA acetyltransferase 1; plus strand). Cytogenetic location: 11q22.3.
Variant type: single nucleotide variant.
Coding change: c.473A>G on transcript NM_000019.4 (MANE Select); coding-DNA position 473, A replaced by G.
Protein change: p.Asn158Ser; replaces asparagine 158 with serine.
Molecular consequence: missense variant.
Genome position (GRCh38, 1-based): chr11:108,138,935, A>G. VCF-style: chr11-108138935-A-G. GRCh37 (hg19) VCF-style: chr11-108009662-A-G.
Other names: c.473A>G, p.Asn158Ser (LRG_1400t1); short protein forms N158S.
Identifiers: ClinVar variation 198030 (VCV000198030.42), dbSNP rs199524907, ClinGen allele CA275332.